The following is an entry in ClinVar:

ClinVar aggregate classification (germline): Uncertain significance (1 of 4 stars; one submission).

Conditions:
Tyrosinase-positive oculocutaneous albinism (OCA2). Also called: Oculocutaneous albinism type 2; Albinism, oculocutaneous, type II; ALBINISM II. Identifiers: Orphanet 79432, MedGen C0268495, MONDO:0008746, OMIM 203200.

gnomAD v4.1: 9 of 1,594,476 alleles (0.00056%); highest among the groups gnomAD compares: Non-Finnish European, 0.00077%; no homozygotes.

Submission:

Department of Human Genetics, Hannover Medical School
Classification: Uncertain significance for Tyrosinase-positive oculocutaneous albinism. Last evaluated: 2025-01-13. Review status: criteria provided, single submitter. Criteria: ACMG Guidelines, 2015. Collection method: clinical testing. Allele origin: germline. Inheritance: Autosomal recessive inheritance. Affected: yes.
Comment: ACMG: PM2_Supporting, PM3, PP3, PP4

NM_000275.3(OCA2):c.2137A>G (p.Lys713Glu)

Gene: OCA2 (OCA2 melanosomal transmembrane protein; minus strand). Cytogenetic location: 15q13.1.
Variant type: single nucleotide variant.
Coding change: c.2137A>G on transcript NM_000275.3 (MANE Select); coding-DNA position 2137, A replaced by G.
Protein change: p.Lys713Glu; replaces lysine 713 with glutamic acid.
Molecular consequence: missense variant.
Genome position (GRCh38, 1-based): chr15:27,871,865, T>C on the plus strand (A>G on the coding strand, the complement: OCA2 is on the minus strand). VCF-style: chr15-27871865-T-C. GRCh37 (hg19) VCF-style: chr15-28117011-T-C.
Other names: c.2065A>G, p.Lys689Glu (NM_001300984.2); short protein forms K689E, K713E.
Identifiers: ClinVar variation 3544403 (VCV003544403.1).
Genomic context (GRCh38, chr15:27,871,865, plus strand): 5'-TTTTCACAAAATCAAAGAACAGTGGCTGGAGTGCCTTCTATTATAGCATTTATTTTACCT[T>C]TATTAGCAAAGCAGTTTGTTCTCCAACATATTCTATTAAGTGGAGATGTGCCAATGCCTA-3'
Protein context (NP_000266.2, residues 703-723): YVGEQTALLI[Lys713Glu]MVPEEQRLIA